The following is an entry in ClinVar:

ClinVar aggregate classification (germline): Uncertain significance (1 of 4 stars; one submission).

Conditions:
Cardiovascular phenotype. Identifiers: MedGen CN230736.

Submission:

Ambry Genetics
Classification: Uncertain significance for Cardiovascular phenotype. Last evaluated: 2020-09-16. Review status: criteria provided, single submitter. Criteria: Ambry Variant Classification Scheme 2023. Collection method: clinical testing. Allele origin: germline.
Comment: The c.11115G>T variant (also known as p.G3705G), located in coding exon 16 of the ALMS1 gene, results from a G to T substitution at nucleotide position 11115. This nucleotide substitution does not change the at codon 3705. This nucleotide position is not well conserved in available vertebrate species. In silico splice site analysis for this alteration is inconclusive. Since supporting evidence is limited at this time, the clinical significance of this alteration remains unclear.

NM_001378454.1(ALMS1):c.11112G>T (p.Gly3704=)

Gene: ALMS1 (ALMS1 centrosome and basal body associated protein; plus strand). Cytogenetic location: 2p13.1.
Variant type: single nucleotide variant.
Coding change: c.11112G>T on transcript NM_001378454.1 (MANE Select); coding-DNA position 11112, G replaced by T.
Protein change: p.Gly3704=; no amino-acid change (glycine 3704 retained).
Molecular consequence: synonymous variant.
Genome position (GRCh38, 1-based): chr2:73,572,989, G>T. VCF-style: chr2-73572989-G-T. GRCh37 (hg19) VCF-style: chr2-73800116-G-T.
Other names: c.11115G>T, p.Gly3705= (NM_015120.4).
Identifiers: ClinVar variation 1795209 (VCV001795209.2), dbSNP rs2466445988, ClinGen allele CA427024666.
Genomic context (GRCh38, chr2:73,572,989, plus strand): 5'-AAGCCATAAAAATACAGGCGAGCTTAAAAAAAGCAAGGTGCTTTCTCATCATCGAGCTGG[G>T]AGGTCTAATCAAATTAAAATTGAACAGATTAAATTTGATAAATATATTCTGAGTAAACAG-3'
Protein context (NP_001365383.1, residues 3694-3714): KSKVLSHHRA[Gly3704=]RSNQIKIEQI